The following is an entry in ClinVar:

NM_001042492.3(NF1):c.3040A>T (p.Lys1014Ter)

Gene: NF1 (neurofibromin 1; plus strand). Cytogenetic location: 17q11.2.
Variant type: single nucleotide variant.
Coding change: c.3040A>T on transcript NM_001042492.3 (MANE Select); coding-DNA position 3040, A replaced by T.
Protein change: p.Lys1014Ter; replaces lysine 1014 with a stop codon.
Molecular consequence: nonsense.
Genome position (GRCh38, 1-based): chr17:31,230,309, A>T. VCF-style: chr17-31230309-A-T. GRCh37 (hg19) VCF-style: chr17-29557327-A-T.
Other names: c.3040A>T, p.Lys1014Ter (NM_000267.4); short protein forms K1014*.
Identifiers: ClinVar variation 431616 (VCV000431616.9), dbSNP rs1135402839, ClinGen allele CA398987348.

ClinVar aggregate classification (germline): Pathogenic. Review status: criteria provided, multiple submitters, no conflicts (2 of 4 stars). 3 submissions from 3 submitters: Pathogenic (2). 1 of the submissions does not count toward it. Last evaluated 2025-08-22.

Conditions:
Hereditary cancer-predisposing syndrome. Also called: Hereditary neoplastic syndrome; Tumor predisposition; Neoplastic Syndromes, Hereditary; Hereditary Cancer Syndrome. Identifiers: Orphanet 140162, MedGen C0027672, MeSH D009386, MONDO:0015356.
Cardiovascular phenotype. Identifiers: MedGen CN230736.
Neurofibromatosis, type 1 (NF1). Also called: Neurofibromatosis, type I; NEUROFIBROMATOSIS, TYPE I, SOMATIC; Peripheral type neurofibromatosis; VON RECKLINGHAUSEN DISEASE. Identifiers: Orphanet 636, MedGen C0027831, MONDO:0018975, OMIM 162200. Disease mechanism: loss of function.

Submissions (3):

Ambry Genetics
Classification: Pathogenic for Cardiovascular phenotype; Hereditary cancer-predisposing syndrome. Last evaluated: 2025-08-22. Review status: criteria provided, single submitter. Criteria: Ambry Variant Classification Scheme 2023. Collection method: clinical testing. Allele origin: germline.
Comment: The p.K1014* pathogenic mutation (also known as c.3040A>T), located in coding exon 23 of the NF1 gene, results from an A to T substitution at nucleotide position 3040. This changes the amino acid from a lysine to a stop codon within coding exon 23. This variant was reported in individual(s) with features consistent with neurofibromatosis type I (Bonatti F et al. Int J Mol Sci, 2017 Sep;18; Wu-Chou YH et al. J Biomed Sci, 2018 Oct;25:72; Giugliano T et al. Genes (Basel), 2019 Jul;10; Assunto A et al. Orphanet J Rare Dis, 2019 Nov;14:261; Ambry internal data). This variant is considered to be rare based on population cohorts in the Genome Aggregation Database (gnomAD). This alteration is expected to result in loss of function by premature protein truncation or nonsense-mediated mRNA decay. As such, this alteration is interpreted as a disease-causing mutation.

Labcorp Genetics (formerly Invitae), Labcorp
Classification: Pathogenic for Neurofibromatosis, type 1. Last evaluated: 2024-06-18. Review status: criteria provided, single submitter. Criteria: Invitae Variant Classification Sherloc (09022015). Collection method: clinical testing. Allele origin: germline.
Comment: This sequence change creates a premature translational stop signal (p.Lys1014*) in the NF1 gene. It is expected to result in an absent or disrupted protein product. Loss-of-function variants in NF1 are known to be pathogenic (PMID: 10712197, 23913538). This variant is not present in population databases (gnomAD no frequency). This premature translational stop signal has been observed in individual(s) with clinical features of neurofibromatosis type 1 (PMID: 28961165, 31730495). ClinVar contains an entry for this variant (Variation ID: 431616). For these reasons, this variant has been classified as Pathogenic.

Medical Genetics, University of Parma
Classification: Pathogenic for Neurofibromatosis type 1. Last evaluated: 2017-02-02. Review status: no assertion criteria provided. Collection method: clinical testing. Allele origin: germline. Affected: yes. Not counted in ClinVar's aggregate classification.

Literature cited by the submitters: PubMed 28961165 (cited by Ambry Genetics and Labcorp Genetics (formerly Invitae), Labcorp); PubMed 30290804 (cited by Ambry Genetics); PubMed 31370276 (cited by Ambry Genetics); PubMed 31730495 (cited by Ambry Genetics and Labcorp Genetics (formerly Invitae), Labcorp); PubMed 10712197 (cited by Labcorp Genetics (formerly Invitae), Labcorp); PubMed 23913538 (cited by Labcorp Genetics (formerly Invitae), Labcorp).